The following is an entry in ClinVar:

NM_003001.5(SDHC):c.198G>A (p.Ala66=)

Gene: SDHC (succinate dehydrogenase complex subunit C; plus strand). Cytogenetic location: 1q23.3.
Variant type: single nucleotide variant.
Coding change: c.198G>A on transcript NM_003001.5 (MANE Select); coding-DNA position 198, G replaced by A.
Protein change: p.Ala66=; no amino-acid change (alanine 66 retained).
Molecular consequence: synonymous variant. On other transcripts: non-coding transcript variant (1).
Genome position (GRCh38, 1-based): chr1:161,340,612, G>A. VCF-style: chr1-161340612-G-A. GRCh37 (hg19) VCF-style: chr1-161310402-G-A.
Other names: c.198G>A, p.Ala66= (NM_001035511.3); c.96G>A, p.Ala32= (NM_001035512.3, NM_001278172.3, NM_001407118.1); c.39G>A, p.Ala13= (NM_001035513.3); c.318G>A, p.Ala106= (NM_001407115.1); c.141G>A, p.Ala47= (NM_001407116.1, NM_001407117.1, NM_001407121.1); c.87G>A, p.Ala29= (NM_001407119.1, NM_001407120.1).
Identifiers: ClinVar variation 820470 (VCV000820470.18), dbSNP rs763628960, ClinGen allele CA046278.

ClinVar aggregate classification (germline): Benign/Likely benign. Review status: criteria provided, multiple submitters, no conflicts (2 of 4 stars). 5 submissions from 5 submitters: Benign (2); Likely benign (3). Last evaluated 2025-10-30.

Conditions:
Hereditary pheochromocytoma and paraganglioma. Also called: Hereditary pheochromocytoma-paraganglioma; Hereditary Paraganglioma-Pheochromocytoma Syndromes; Hereditary paragangliomas and pheochromocytomas. Identifiers: Orphanet 29072, MedGen C4274332, MONDO:0017366.
Pheochromocytoma/paraganglioma syndrome 3. Also called: SDHC-Related Hereditary Paraganglioma-Pheochromocytoma Syndrome (Paragangliomas 3); SDHC-Related Hereditary Paraganglioma-Pheochromocytoma Syndrome; Paragangliomas 3; GLOMUS TUMORS, FAMILIAL, 3. Identifiers: Orphanet 29072, MedGen C1854336, MONDO:0011544, OMIM 605373.
Hereditary cancer-predisposing syndrome. Also called: Neoplastic Syndromes, Hereditary; Hereditary Cancer Syndrome; Hereditary neoplastic syndrome; Tumor predisposition. Identifiers: Orphanet 140162, MedGen C0027672, MeSH D009386, MONDO:0015356.
Gastrointestinal stromal tumor. Also called: Gastrointestinal stromal tumor, somatic; Gastrointestinal stroma tumor. Identifiers: Orphanet 44890, MedGen C0238198, MeSH D046152, MONDO:0011719, OMIM 606764, HP:0100723.

Allele frequency attached by ClinVar (database versions not stated): gnomAD exomes 0.00001 and 0.00004; TOPMed 0.00001; ExAC 0.00003.
gnomAD v4.1: 20 of 1,613,744 alleles (0.0012%); highest among the groups gnomAD compares: East Asian, 0.027%; no homozygotes.

Submissions (5):

Labcorp Genetics (formerly Invitae), Labcorp
Classification: Likely benign for Pheochromocytoma/paraganglioma syndrome 3; Gastrointestinal stromal tumor. Last evaluated: 2025-10-30. Review status: criteria provided, single submitter. Criteria: Invitae Variant Classification Sherloc (09022015). Collection method: clinical testing. Allele origin: germline.

Myriad Genetics, Inc.
Classification: Benign for Pheochromocytoma/paraganglioma syndrome 3. Last evaluated: 2025-03-14. Review status: criteria provided, single submitter. Criteria: Myriad Autosomal Dominant, Autosomal Recessive and X-Linked Classification Criteria (2023). Collection method: clinical testing. Allele origin: unknown.
Comment: This variant is considered benign. This variant is a silent/synonymous amino acid change and it is not expected to impact splicing.

Women's Health and Genetics/Laboratory Corporation of America, LabCorp
Classification: Benign. Last evaluated: 2024-12-19. Review status: criteria provided, single submitter. Criteria: LabCorp Variant Classification Summary - May 2015. Collection method: clinical testing. Allele origin: germline.

All of Us Research Program, National Institutes of Health
Classification: Likely benign for Hereditary pheochromocytoma and paraganglioma. Last evaluated: 2024-09-23. Review status: criteria provided, single submitter. Criteria: ACMG Guidelines, 2015. Collection method: clinical testing. Allele origin: germline. Inheritance: Autosomal dominant inheritance. Observed: 3 variant alleles, 3 heterozygotes.
Comment: This study involves interpretation of variants in research participants for the purpose of population health screening. Participant phenotype was not available at the time of variant classification. Additional details can be found in publication PMID: 35346344, PMCID: PMC8962531

Ambry Genetics
Classification: Likely benign for Hereditary cancer-predisposing syndrome. Last evaluated: 2019-07-10. Review status: criteria provided, single submitter. Criteria: Ambry Variant Classification Scheme 2023. Collection method: clinical testing. Allele origin: germline.